The following is an entry in ClinVar:

ClinVar aggregate classification (germline): Benign/Likely benign. Review status: criteria provided, multiple submitters, no conflicts (2 of 4 stars). 7 submissions from 7 submitters: Benign (3); Likely benign (4). Last evaluated 2026-01-21.

Conditions:
Mitochondrial DNA depletion syndrome 3 (hepatocerebral type). Also called: MITOCHONDRIAL DNA DEPLETION SYNDROME 3; Deoxyguanosine Kinase Deficiency; Mitochondrial DNA depletion syndrome, hepatocerebral form due to DGUOK deficiency. Identifiers: Orphanet 279934, MedGen CN074093, MONDO:0009636, OMIM 251880.

Allele frequency attached by ClinVar (database versions not stated): gnomAD exomes 0.00062; ExAC 0.00076; 1000 Genomes Project 0.00220; gnomAD 0.00220 and 0.00236; 1000 Genomes Project 30x 0.00234; TOPMed 0.00272; ESP Exome Variant Server 0.00285.
gnomAD v4.1: 734 of 1,610,008 alleles (0.046%); highest among the groups gnomAD compares: African/African-American, 0.86%; 6 homozygotes.

Submissions (7):

Labcorp Genetics (formerly Invitae), Labcorp
Classification: Benign. Last evaluated: 2026-01-21. Review status: criteria provided, single submitter. Criteria: Invitae Variant Classification Sherloc (09022015). Collection method: clinical testing. Allele origin: germline.

Mayo Clinic Laboratories, Mayo Clinic
Classification: Likely benign. Last evaluated: 2025-12-05. Review status: criteria provided, single submitter. Criteria: ACMG Guidelines, 2015. Collection method: clinical testing. Allele origin: germline. Observed: 13 variant alleles.
Comment: BS1, BP4, BP7

Blueprint Genetics
Classification: Likely benign. Last evaluated: 2024-11-11. Review status: criteria provided, single submitter. Criteria: ACMG Guidelines, 2015. Collection method: clinical testing. Allele origin: germline.

CeGaT Center for Human Genetics Tuebingen
Classification: Likely benign. Last evaluated: 2022-10-01. Review status: criteria provided, single submitter. Criteria: CeGaT Center For Human Genetics Tuebingen Variant Classification Criteria Version 2. Collection method: clinical testing. Allele origin: germline. Affected: yes. Observed: 1 variant allele.
Comment: DGUOK: BP4, BP7

Illumina Laboratory Services, Illumina
Classification: Likely benign for Mitochondrial DNA depletion syndrome 3 (hepatocerebral type). Last evaluated: 2018-01-12. Review status: criteria provided, single submitter. Criteria: ICSL Variant Classification Criteria 13 December 2019. Collection method: clinical testing. Allele origin: germline.
Comment: This variant was observed in the ICSL laboratory as part of a predisposition screen in an ostensibly healthy population. It had not been previously curated by ICSL or reported in the Human Gene Mutation Database (HGMD: prior to June 1st, 2018), and was therefore a candidate for classification through an automated scoring system. Utilizing variant allele frequency, disease prevalence and penetrance estimates, and inheritance mode, an automated score was calculated to assess if this variant is too frequent to cause the disease. Based on the score and internal cut-off values, a variant classified as likely benign is not then subjected to further curation. The score for this variant resulted in a classification of likely benign for this disease.

Eurofins Ntd Llc (ga)
Classification: Benign. Last evaluated: 2017-01-27. Review status: criteria provided, single submitter. Criteria: EGL Classification Definitions 2015. Collection method: clinical testing. Allele origin: germline. Observed: 1 variant allele, 1 heterozygote.

GeneDx
Classification: Benign. Last evaluated: 2015-01-09. Review status: criteria provided, single submitter. Criteria: GeneDx Variant Classification (06012015). Collection method: clinical testing. Allele origin: germline. Affected: yes.
Comment: This variant is considered likely benign or benign based on one or more of the following criteria: it is a conservative change, it occurs at a poorly conserved position in the protein, it is predicted to be benign by multiple in silico algorithms, and/or has population frequency not consistent with disease.

NM_080916.3(DGUOK):c.123C>G (p.Leu41=)

Genes: DGUOK (deoxyguanosine kinase; plus strand), LOC129934096 (ATAC-STARR-seq lymphoblastoid active region 16036; plus strand). Cytogenetic location: 2p13.1.
Variant type: single nucleotide variant.
Coding change: c.123C>G on transcript NM_080916.3 (MANE Select); coding-DNA position 123, C replaced by G.
Protein change: p.Leu41=; no amino-acid change (leucine 41 retained).
Molecular consequence: synonymous variant. On other transcripts: 5 prime UTR variant (4), non-coding transcript variant (6).
Genome position (GRCh38, 1-based): chr2:73,927,033, C>G. VCF-style: chr2-73927033-C-G. GRCh37 (hg19) VCF-style: chr2-74154160-C-G.
Other names: p.L41L:CTC>CTG; p.Leu41=; c.123C>G, p.Leu41= (NM_001318859.2, NM_080918.3); c.-56C>G (NM_001318860.2, NM_001318863.2); c.-142C>G (NM_001318861.2, NM_001318862.2).
Identifiers: ClinVar variation 214283 (VCV000214283.48), dbSNP rs145252858, ClinGen allele CA321996.
Genomic context (GRCh38, chr2:73,927,033, plus strand): 5'-CCCACTCGAGGGCGTTTCCTCCTCCAGAGGCCTGCACGCGGGGCGCGGGCCCCGAAGGCT[C>G]TCCATCGAAGGCAACATTGGTAAGGGCCGGAAAGCGGCTGCCAAGCCTTGGCCTCCGCCA-3'
Protein context (NP_550438.1, residues 31-51): GLHAGRGPRR[Leu41=]SIEGNIAVGK